The following is an entry in ClinVar:

NM_053274.3(GLMN):c.571G>T (p.Val191Phe)

Gene: GLMN (glomulin, FKBP associated protein; minus strand). Cytogenetic location: 1p22.1.
Variant type: single nucleotide variant.
Coding change: c.571G>T on transcript NM_053274.3 (MANE Select); coding-DNA position 571, G replaced by T.
Protein change: p.Val191Phe; replaces valine 191 with phenylalanine.
Molecular consequence: missense variant. On other transcripts: non-coding transcript variant (1).
Genome position (GRCh38, 1-based): chr1:92,288,975, C>A on the plus strand (G>T on the coding strand, the complement: GLMN is on the minus strand). VCF-style: chr1-92288975-C-A. GRCh37 (hg19) VCF-style: chr1-92754532-C-A.
Other names: c.571G>T, p.Val191Phe (NM_001319683.2); short protein forms V191F.
Identifiers: ClinVar variation 2561250 (VCV002561250.4), dbSNP rs199528216, ClinGen allele CA950558.

ClinVar aggregate classification (germline): Uncertain significance. Review status: criteria provided, multiple submitters, no conflicts (2 of 4 stars). 2 submissions from 2 submitters: Uncertain significance (2). Last evaluated 2026-03-03.

Conditions:
Inborn genetic diseases. Identifiers: MedGen C0950123, MeSH D030342.
Glomuvenous malformation. Also called: GLOMANGIOMAS, MULTIPLE; GLOMUS TUMORS, MULTIPLE; VENOUS MALFORMATIONS WITH GLOMUS CELLS; Familial glomangioma. Identifiers: Orphanet 83454, MedGen C1841984, MONDO:0007672, OMIM 138000.

Allele frequency attached by ClinVar (database versions not stated): ExAC 0.00007; ESP Exome Variant Server 0.00008; gnomAD exomes 0.00013; 1000 Genomes Project 30x 0.00016; gnomAD 0.00019; 1000 Genomes Project 0.00020; TOPMed 0.00024.
gnomAD v4.1: 221 of 1,612,662 alleles (0.014%); highest among the groups gnomAD compares: Admixed American, 0.048%; no homozygotes.

Submissions (2):

Clinical Genomics Laboratory, Washington University in St. Louis
Classification: Uncertain significance for Glomuvenous malformation. Last evaluated: 2026-03-03. Review status: criteria provided, single submitter. Criteria: ACMG Guidelines, 2015. Collection method: clinical testing. Allele origin: germline.
Comment: A GLMN c.571G>T (p.Val191Phe) variant was identified at a near heterozygous allelic fraction of 43.8%, a frequency which may be consistent with it being of germline origin. The GLMN c.571G>T (p.Val191Phe) variant, to our knowledge, has not been reported in the medical literature but has been reported in the ClinVar database as a germline variant of uncertain significance by one submitter (ClinVar ID: 2561250). This variant is observed on 221/1,612,662 alleles in the general population (gnomAD v4.1.0). Computational predictors suggest that the variant does not impact GLMN function. Due to limited information, and based on ACMG/AMP guidelines for variant interpretation (Richards S et al., PMID: 25741868), the clinical significance of this variant is uncertain at this time.

Ambry Genetics
Classification: Uncertain significance for Inborn genetic diseases. Last evaluated: 2025-08-30. Review status: criteria provided, single submitter. Criteria: Ambry Variant Classification Scheme 2023. Collection method: clinical testing. Allele origin: germline.